The following is an entry in ClinVar:

NM_004715.5(CTDP1):c.730G>A (p.Val244Ile)

Gene: CTDP1 (CTD phosphatase subunit 1; plus strand). Cytogenetic location: 18q23.
Variant type: single nucleotide variant.
Coding change: c.730G>A on transcript NM_004715.5 (MANE Select); coding-DNA position 730, G replaced by A.
Protein change: p.Val244Ile; replaces valine 244 with isoleucine.
Molecular consequence: missense variant.
Genome position (GRCh38, 1-based): chr18:79,704,875, G>A. VCF-style: chr18-79704875-G-A. GRCh37 (hg19) VCF-style: chr18-77464875-G-A.
Other names: c.373G>A, p.Val125Ile (NM_001202504.1); c.730G>A, p.Val244Ile (NM_001318511.2, NM_048368.4); short protein forms V125I, V244I.
Identifiers: ClinVar variation 1965219 (VCV001965219.5), dbSNP rs573144395, ClinGen allele CA9010072.

ClinVar aggregate classification (germline): Uncertain significance. Review status: criteria provided, multiple submitters, no conflicts (2 of 4 stars). 2 submissions from 2 submitters: Uncertain significance (2). Last evaluated 2024-08-20.

Allele frequency attached by ClinVar (database versions not stated): ExAC 0.00001; gnomAD 0.00001; gnomAD exomes 0.00001; TOPMed 0.00001; 1000 Genomes Project 30x 0.00016; 1000 Genomes Project 0.00020.

Submissions (2):

Ambry Genetics
Classification: Uncertain significance. Last evaluated: 2024-08-20. Review status: criteria provided, single submitter. Criteria: Ambry Variant Classification Scheme 2023. Collection method: clinical testing. Allele origin: germline.

Labcorp Genetics (formerly Invitae), Labcorp
Classification: Uncertain significance. Last evaluated: 2022-08-22. Review status: criteria provided, single submitter. Criteria: Invitae Variant Classification Sherloc (09022015). Collection method: clinical testing. Allele origin: germline.
Comment: In summary, the available evidence is currently insufficient to determine the role of this variant in disease. Therefore, it has been classified as a Variant of Uncertain Significance. Algorithms developed to predict the effect of missense changes on protein structure and function are either unavailable or do not agree on the potential impact of this missense change (SIFT: "Tolerated"; PolyPhen-2: "Probably Damaging"; Align-GVGD: "Class C0"). This variant has not been reported in the literature in individuals affected with CTDP1-related conditions. This variant is present in population databases (rs573144395, gnomAD 0.006%). This sequence change replaces valine, which is neutral and non-polar, with isoleucine, which is neutral and non-polar, at codon 244 of the CTDP1 protein (p.Val244Ile).